The following is an entry in ClinVar:

NM_002109.6(HARS1):c.1328A>G (p.Lys443Arg)

Gene: HARS1 (histidyl-tRNA synthetase 1; minus strand). Cytogenetic location: 5q31.3.
Variant type: single nucleotide variant.
Coding change: c.1328A>G on transcript NM_002109.6 (MANE Select); coding-DNA position 1328, A replaced by G.
Protein change: p.Lys443Arg; replaces lysine 443 with arginine.
Molecular consequence: missense variant.
Genome position (GRCh38, 1-based): chr5:140,674,809, T>C on the plus strand (A>G on the coding strand, the complement: HARS1 is on the minus strand). VCF-style: chr5-140674809-T-C. GRCh37 (hg19) VCF-style: chr5-140054394-T-C.
Other names: c.1208A>G, p.Lys403Arg (NM_001258040.3); c.1268A>G, p.Lys423Arg (NM_001258041.3); c.1148A>G, p.Lys383Arg (NM_001258042.3); c.1106A>G, p.Lys369Arg (NM_001289092.2); c.986A>G, p.Lys329Arg (NM_001289093.2); c.1241A>G, p.Lys414Arg (NM_001289094.2); short protein forms K329R, K403R, K414R, K443R, K369R, K383R, K423R.
Identifiers: ClinVar variation 2613187 (VCV002613187.5), dbSNP rs1758262373, ClinGen allele CA361247848.

ClinVar aggregate classification (germline): Uncertain significance. Review status: criteria provided, multiple submitters, no conflicts (2 of 4 stars). 2 submissions from 2 submitters: Uncertain significance (2). Last evaluated 2023-12-02.

Conditions:
Usher syndrome type 3B. Also called: USHER SYNDROME, TYPE IIIB. Identifiers: MedGen C3281066, MONDO:0013788, OMIM 614504.

Allele frequency attached by ClinVar (database versions not stated): TOPMed below 0.00001; gnomAD exomes 0.00001.
gnomAD v4.1: 9 of 1,614,204 alleles (0.00056%); highest among the groups gnomAD compares: Non-Finnish European, 0.00076%; no homozygotes.

Submissions (2):

Labcorp Genetics (formerly Invitae), Labcorp
Classification: Uncertain significance for Usher syndrome type 3B. Last evaluated: 2023-12-02. Review status: criteria provided, single submitter. Criteria: Invitae Variant Classification Sherloc (09022015). Collection method: clinical testing. Allele origin: germline.
Comment: This sequence change replaces lysine, which is basic and polar, with arginine, which is basic and polar, at codon 443 of the HARS protein (p.Lys443Arg). This variant is not present in population databases (gnomAD no frequency). This variant has not been reported in the literature in individuals affected with HARS-related conditions. Advanced modeling of protein sequence and biophysical properties (such as structural, functional, and spatial information, amino acid conservation, physicochemical variation, residue mobility, and thermodynamic stability) performed at Invitae indicates that this missense variant is not expected to disrupt HARS protein function with a negative predictive value of 80%. In summary, the available evidence is currently insufficient to determine the role of this variant in disease. Therefore, it has been classified as a Variant of Uncertain Significance.

Ambry Genetics
Classification: Uncertain significance. Last evaluated: 2023-07-20. Review status: criteria provided, single submitter. Criteria: Ambry Variant Classification Scheme 2023. Collection method: clinical testing. Allele origin: germline.